The following is an entry in ClinVar:

ClinVar aggregate classification (germline): Likely benign. Review status: criteria provided, multiple submitters, no conflicts (2 of 4 stars). 4 submissions from 4 submitters: Likely benign (3). 1 of the submissions does not count toward it. Last evaluated 2026-01-31.

Conditions:
CERS3-related disorder. Also called: CERS3-related condition.
Inborn genetic diseases. Identifiers: MedGen C0950123, MeSH D030342.

Allele frequency attached by ClinVar (database versions not stated): 1000 Genomes Project 30x 0.00125; 1000 Genomes Project 0.00160; ExAC 0.00275; TOPMed 0.00276; gnomAD exomes 0.00280; gnomAD 0.00287 and 0.00293; ESP Exome Variant Server 0.00423.
gnomAD v4.1: 7,692 of 1,568,852 alleles (0.49%); highest among the groups gnomAD compares: Non-Finnish European, 0.61%; 24 homozygotes.

Submissions (4):

Labcorp Genetics (formerly Invitae), Labcorp
Classification: Likely benign. Last evaluated: 2026-01-31. Review status: criteria provided, single submitter. Criteria: Invitae Variant Classification Sherloc (09022015). Collection method: clinical testing. Allele origin: germline.

CeGaT Center for Human Genetics Tuebingen
Classification: Likely benign. Last evaluated: 2025-02-01. Review status: criteria provided, single submitter. Criteria: CeGaT Center For Human Genetics Tuebingen Variant Classification Criteria Version 2. Collection method: clinical testing. Allele origin: germline. Affected: yes. Observed: 3 variant alleles.
Comment: CERS3: BP4, BS2

Ambry Genetics
Classification: Likely benign for Inborn genetic diseases. Last evaluated: 2021-10-18. Review status: criteria provided, single submitter. Criteria: Ambry Variant Classification Scheme 2023. Collection method: clinical testing. Allele origin: germline.

PreventionGenetics, part of Exact Sciences
Classification: Likely benign for CERS3-related condition. Last evaluated: 2023-04-27. Review status: no assertion criteria provided. Collection method: clinical testing. Allele origin: germline. Not counted in ClinVar's aggregate classification.
Comment: This variant is classified as likely benign based on ACMG/AMP sequence variant interpretation guidelines (Richards et al. 2015 PMID: 25741868, with internal and published modifications).

NM_001378789.1(CERS3):c.178G>A (p.Val60Ile)

Gene: CERS3 (ceramide synthase 3; minus strand). Cytogenetic location: 15q26.3.
Variant type: single nucleotide variant.
Coding change: c.178G>A on transcript NM_001378789.1 (MANE Select); coding-DNA position 178, G replaced by A.
Protein change: p.Val60Ile; replaces valine 60 with isoleucine.
Molecular consequence: missense variant.
Genome position (GRCh38, 1-based): chr15:100,490,927, C>T on the plus strand (G>A on the coding strand, the complement: CERS3 is on the minus strand). VCF-style: chr15-100490927-C-T. GRCh37 (hg19) VCF-style: chr15-101031132-C-T.
Other names: c.178G>A (NM_178842.3); c.211G>A, p.Val71Ile (NM_001290341.2); c.178G>A, p.Val60Ile (NM_001290342.2, NM_001290343.2, NM_178842.5); short protein forms V60I, V71I.
Identifiers: ClinVar variation 774226 (VCV000774226.35), dbSNP rs148139207, ClinGen allele CA7759149.